The following is an entry in ClinVar:

ClinVar aggregate classification (germline): Uncertain significance. Review status: criteria provided, multiple submitters, no conflicts (2 of 4 stars). 2 submissions from 2 submitters: Uncertain significance (2). Last evaluated 2024-05-13.

Conditions:
Inborn genetic diseases. Identifiers: MedGen C0950123, MeSH D030342.

Submissions (2):

Ambry Genetics
Classification: Uncertain significance for Inborn genetic diseases. Last evaluated: 2024-05-13. Review status: criteria provided, single submitter. Criteria: Ambry Variant Classification Scheme 2023. Collection method: clinical testing. Allele origin: germline.

GeneDx
Classification: Uncertain significance. Last evaluated: 2022-06-29. Review status: criteria provided, single submitter. Criteria: GeneDx Variant Classification Process June 2021. Collection method: clinical testing. Allele origin: germline. Affected: yes.
Comment: Not observed at significant frequency in large population cohorts (gnomAD); In silico analysis supports that this missense variant does not alter protein structure/function; Has not been previously published as pathogenic or benign to our knowledge

NM_001291415.2(KDM6A):c.3559T>C (p.Tyr1187His)

Gene: KDM6A (lysine demethylase 6A; plus strand). Cytogenetic location: Xp11.3.
Variant type: single nucleotide variant.
Coding change: c.3559T>C on transcript NM_001291415.2 (MANE Select); coding-DNA position 3559, T replaced by C.
Protein change: p.Tyr1187His; replaces tyrosine 1187 with histidine.
Molecular consequence: missense variant. On other transcripts: non-coding transcript variant (1).
Genome position (GRCh38, 1-based): chrX:45,083,578, T>C. VCF-style: chrX-45083578-T-C. GRCh37 (hg19) VCF-style: chrX-44942823-T-C.
Other names: c.3424T>C, p.Tyr1142His (NM_001291416.2); c.3268T>C, p.Tyr1090His (NM_001291417.2); c.3166T>C, p.Tyr1056His (NM_001291418.2); c.2515T>C, p.Tyr839His (NM_001291421.2); c.3301T>C, p.Tyr1101His (NM_001410742.1); c.3403T>C, p.Tyr1135His (NM_021140.4); short protein forms Y1056H, Y1090H, Y1101H, Y1135H, Y1142H, Y1187H, Y839H.
Identifiers: ClinVar variation 1809867 (VCV001809867.2), dbSNP rs2523250214, ClinGen allele CA412804716.
Genomic context (GRCh38, chrX:45,083,578, plus strand): 5'-GCAGGAAATCTTCTAAGCCATGTTGGTCATACCATATTGGGCATGAACACAGTTCAACTA[T>C]ACATGAAAGTTCCAGGGAGCAGAACACCAGGTAATTTGTATGAACTAACATATCTTGTTA-3'
Protein context (NP_001278344.1, residues 1177-1197): TILGMNTVQL[Tyr1187His]MKVPGSRTPG